The following is an entry in ClinVar:

NM_000059.4(BRCA2):c.5327T>G (p.Leu1776Trp)

Gene: BRCA2 (BRCA2 DNA repair associated; plus strand). Cytogenetic location: 13q13.1.
Variant type: single nucleotide variant.
Coding change: c.5327T>G on transcript NM_000059.4 (MANE Select); coding-DNA position 5327, T replaced by G.
Protein change: p.Leu1776Trp; replaces leucine 1776 with tryptophan.
Molecular consequence: missense variant.
Genome position (GRCh38, 1-based): chr13:32,339,682, T>G. VCF-style: chr13-32339682-T-G. GRCh37 (hg19) VCF-style: chr13-32913819-T-G.
Other names: short protein forms L1776W.
Identifiers: ClinVar variation 570405 (VCV000570405.20), dbSNP rs1566232213, ClinGen allele CA387784918.

ClinVar aggregate classification (germline): Conflicting classifications of pathogenicity. Review status: criteria provided, conflicting classifications (1 of 4 stars). 6 submissions from 6 submitters: Uncertain significance (4); Likely benign (2). Last evaluated 2026-01-20.

Conditions:
BRCA2-related cancer predisposition. Identifiers: MedGen CN377758, MONDO:0700269.
Breast-ovarian cancer, familial, susceptibility to, 2 (BROVCA2). Also called: BRCA2 Hereditary Breast and Ovarian Cancer. Identifiers: Orphanet 145, MedGen C2675520, MONDO:0012933, OMIM 612555. Disease mechanism: loss of function.
Hereditary cancer-predisposing syndrome. Also called: Neoplastic Syndromes, Hereditary; Hereditary Cancer Syndrome; Hereditary neoplastic syndrome; Tumor predisposition. Identifiers: Orphanet 140162, MedGen C0027672, MeSH D009386, MONDO:0015356.
Hereditary breast ovarian cancer syndrome. Also called: Hereditary breast and ovarian cancer syndrome; Hereditary breast and ovarian cancer syndrome (HBOC); Hereditary breast and/or ovarian cancer syndrome; BRCA1- and BRCA2-Associated Hereditary Breast and Ovarian Cancer; Breast and ovarian cancer; Hereditary breast and ovarian cancer. Identifiers: Orphanet 145, MedGen C0677776, MeSH D061325, MONDO:0003582. Disease mechanism: loss of function.

Allele frequency attached by ClinVar (database versions not stated): gnomAD exomes below 0.00001.
gnomAD v4.1: 2 of 1,612,402 alleles (0.00012%); highest among the groups gnomAD compares: African/African-American, 0.0013%; no homozygotes.

Submissions (6):

Labcorp Genetics (formerly Invitae), Labcorp
Classification: Uncertain significance for Hereditary breast ovarian cancer syndrome. Last evaluated: 2026-01-20. Review status: criteria provided, single submitter. Criteria: Invitae Variant Classification Sherloc (09022015). Collection method: clinical testing. Allele origin: germline.
Comment: This sequence change replaces leucine, which is neutral and non-polar, with tryptophan, which is neutral and slightly polar, at codon 1776 of the BRCA2 protein (p.Leu1776Trp). This variant is not present in population databases (gnomAD no frequency). This variant has not been reported in the literature in individuals affected with BRCA2-related conditions. ClinVar contains an entry for this variant (Variation ID: 570405). Invitae Evidence Modeling of protein sequence and biophysical properties (such as structural, functional, and spatial information, amino acid conservation, physicochemical variation, residue mobility, and thermodynamic stability) indicates that this missense variant is not expected to disrupt BRCA2 protein function with a negative predictive value of 95%. In summary, the available evidence is currently insufficient to determine the role of this variant in disease. Therefore, it has been classified as a Variant of Uncertain Significance.

Ambry Genetics
Classification: Likely benign for Hereditary cancer-predisposing syndrome. Last evaluated: 2025-12-19. Review status: criteria provided, single submitter. Criteria: Ambry Variant Classification Scheme 2023. Collection method: clinical testing. Allele origin: germline.

Dasa
Classification: Uncertain significance for Breast-ovarian cancer, familial, susceptibility to, 2. Last evaluated: 2025-04-07. Review status: criteria provided, single submitter. Criteria: DASA Assertion Criteria. Collection method: clinical testing. Allele origin: germline.
Comment: NM_000059.4(BRCA2):c.5327T>G (p.Leu1776Trp) is a missense variant that results in the substitution of leucine with tryptophan. This variant is rare in population databases. The currently available literature and clinical evidence are not sufficient to establish a definitive association between this variant and the reported condition. Therefore, this variant is classified as a variant of uncertain significance.

All of Us Research Program, National Institutes of Health
Classification: Uncertain significance for BRCA2-related cancer predisposition. Last evaluated: 2024-08-13. Review status: criteria provided, single submitter. Criteria: ACMG Guidelines, 2015. Collection method: clinical testing. Allele origin: germline. Inheritance: Autosomal dominant inheritance. Observed: 1 variant allele, 1 heterozygote.
Comment: This missense variant replaces leucine with tryptophan at codon 1776 of the BRCA2 protein. Computational prediction suggests that this variant may not impact protein structure and function. To our knowledge, functional studies have not been reported for this variant. This variant has not been reported in individuals affected with BRCA2-related disorders in the literature. This variant has not been identified in the general population by the Genome Aggregation Database (gnomAD). The available evidence is insufficient to determine the role of this variant in disease conclusively. Therefore, this variant is classified as a Variant of Uncertain Significance.

This study involves interpretation of variants in research participants for the purpose of population health screening. Participant phenotype was not available at the time of variant classification. Additional details can be found in publication PMID: 35346344, PMCID: PMC8962531

Color Diagnostics, LLC DBA Color Health
Classification: Uncertain significance for Hereditary cancer-predisposing syndrome. Last evaluated: 2024-07-31. Review status: criteria provided, single submitter. Criteria: ACMG Guidelines, 2015. Collection method: clinical testing. Allele origin: germline.
Comment: This missense variant replaces leucine with tryptophan at codon 1776 of the BRCA2 protein. Computational prediction suggests that this variant may not impact protein structure and function. To our knowledge, functional studies have not been reported for this variant. This variant has not been reported in individuals affected with BRCA2-related disorders in the literature. This variant has not been identified in the general population by the Genome Aggregation Database (gnomAD). The available evidence is insufficient to determine the role of this variant in disease conclusively. Therefore, this variant is classified as a Variant of Uncertain Significance.

University of Washington Department of Laboratory Medicine, University of Washington
Classification: Likely benign for Hereditary cancer-predisposing syndrome. Last evaluated: 2023-03-23. Review status: criteria provided, single submitter. Criteria: Dines et al. (Genet Med. 2020). Collection method: curation. Allele origin: germline.
Comment: Missense variant in a coldspot region where missense variants are very unlikely to be pathogenic (PMID:31911673).

BRCA2 exon 11 coldspot. Reclassification based on statistical prior probability.

Literature cited by the submitters: PubMed 32832836 (cited by Ambry Genetics).